The following is an entry in ClinVar:

ClinVar aggregate classification (germline): Uncertain significance (1 of 4 stars; one submission).

Submission:

Labcorp Genetics (formerly Invitae), Labcorp
Classification: Uncertain significance. Last evaluated: 2022-05-05. Review status: criteria provided, single submitter. Criteria: Invitae Variant Classification Sherloc (09022015). Collection method: clinical testing. Allele origin: germline.
Comment: Experimental studies and prediction algorithms are not available or were not evaluated, and the functional significance of this variant is currently unknown. This variant has not been reported in the literature in individuals affected with NECTIN1-related conditions. This variant results in a copy number gain of the genomic region encompassing exon(s) 5-6 of the NECTIN1 gene. This region includes the termination codon of the gene. This copy number gain extends beyond the assayed region for this gene and therefore may encompass additional genes. As the precise location of this event is unknown, it may be in tandem or it may be located elsewhere in the genome. In summary, the available evidence is currently insufficient to determine the role of this variant in disease. Therefore, it has been classified as a Variant of Uncertain Significance.

NC_000011.9:g.(?_119535457)_(119546040_?)dup

Gene: NECTIN1 (nectin cell adhesion molecule 1; minus strand). Cytogenetic location: 11q23.3.
Variant type: Duplication.
Identifiers: ClinVar variation 2424549 (VCV002424549.4).